The following is an entry in ClinVar:

NM_015214.3(DDHD2):c.820A>G (p.Ser274Gly)

Gene: DDHD2 (DDHD domain containing 2; plus strand). Cytogenetic location: 8p11.23.
Variant type: single nucleotide variant.
Coding change: c.820A>G on transcript NM_015214.3 (MANE Select); coding-DNA position 820, A replaced by G.
Protein change: p.Ser274Gly; replaces serine 274 with glycine.
Molecular consequence: missense variant. On other transcripts: non-coding transcript variant (2).
Genome position (GRCh38, 1-based): chr8:38,242,357, A>G. VCF-style: chr8-38242357-A-G. GRCh37 (hg19) VCF-style: chr8-38099875-A-G.
Other names: c.820A>G, p.Ser274Gly (NM_001164232.2, NM_001362911.2, NM_001362912.2 and 1 more transcripts); c.730A>G, p.Ser244Gly (NM_001362913.2); short protein forms S244G, S274G.
Identifiers: ClinVar variation 1364208 (VCV001364208.8), dbSNP rs1805323544, ClinGen allele CA370718530.
Genomic context (GRCh38, chr8:38,242,357, plus strand): 5'-AAGAAAGCCCAAGAAAATCAGCAGATTGGGAGGGTAGAATTTCTTCCAGTCAACTGGCAC[A>G]GTCCTTTGCATTCTACTGGTGTGGATGTGTGAGTAATACTTAATACCTTCGAGTTGTTAG-3'
Protein context (NP_056029.2, residues 264-284): RVEFLPVNWH[Ser274Gly]PLHSTGVDVD

ClinVar aggregate classification (germline): Uncertain significance (1 of 4 stars; one submission).

Conditions:
Hereditary spastic paraplegia 54. Also called: Spastic paraplegia 54, autosomal recessive. Identifiers: Orphanet 320380, MedGen C3539495, MONDO:0014018, OMIM 615033.

Allele frequency attached by ClinVar (database versions not stated): TOPMed below 0.00001.
gnomAD v4.1: 8 of 1,610,814 alleles (0.0005%); highest among the groups gnomAD compares: Non-Finnish European, 0.00059%; no homozygotes.

Submission:

Labcorp Genetics (formerly Invitae), Labcorp
Classification: Uncertain significance for Hereditary spastic paraplegia 54. Last evaluated: 2022-06-04. Review status: criteria provided, single submitter. Criteria: Invitae Variant Classification Sherloc (09022015). Collection method: clinical testing. Allele origin: germline.
Comment: Algorithms developed to predict the effect of missense changes on protein structure and function are either unavailable or do not agree on the potential impact of this missense change (SIFT: "Tolerated"; PolyPhen-2: "Possibly Damaging"; Align-GVGD: "Class C0"). In summary, the available evidence is currently insufficient to determine the role of this variant in disease. Therefore, it has been classified as a Variant of Uncertain Significance. ClinVar contains an entry for this variant (Variation ID: 1364208). This variant has not been reported in the literature in individuals affected with DDHD2-related conditions. This variant is not present in population databases (gnomAD no frequency). This sequence change replaces serine, which is neutral and polar, with glycine, which is neutral and non-polar, at codon 274 of the DDHD2 protein (p.Ser274Gly).